The following is an entry in ClinVar:

ClinVar aggregate classification (germline): Pathogenic/Likely pathogenic. Review status: criteria provided, multiple submitters, no conflicts (2 of 4 stars). 5 submissions from 5 submitters: Pathogenic (1); Likely pathogenic (3). 1 of the submissions does not count toward it. Last evaluated 2025-11-18.

Conditions:
Smith-Lemli-Opitz syndrome (SLOS). Also called: 7-Dehydrocholesterol reductase deficiency; LETHAL ACRODYSGENITAL SYNDROME; POLYDACTYLY, SEX REVERSAL, RENAL HYPOPLASIA, AND UNILOBAR LUNG; RSH SYNDROME; RUTLEDGE LETHAL MULTIPLE CONGENITAL ANOMALY SYNDROME. Identifiers: Orphanet 818, MedGen C0175694, MONDO:0010035, OMIM 270400.

Allele frequency attached by ClinVar (database versions not stated): gnomAD exomes below 0.00001; gnomAD 0.00001; TOPMed 0.00002.
gnomAD v4.1: 5 of 1,611,300 alleles (0.00031%); highest among the groups gnomAD compares: Non-Finnish European, 0.00042%; no homozygotes.

Submissions (5):

Natera, Inc.
Classification: Likely pathogenic for Smith-Lemli-Opitz syndrome. Last evaluated: 2025-11-18. Review status: criteria provided, single submitter. Criteria: Natera Variant Classification Schema (03/2026). Collection method: clinical testing. Allele origin: germline.
Comment: The c.1222T>C variant in DHCR7 is a missense variant predicted to cause substitution of tyrosine to histidine at amino acid 408. This variant is rare in the general population with a frequency below the threshold expected for the associated phenotype(s). This variant has been observed in one or more individuals affected with the associated recessive disease, as either homozygous or compound heterozygous with a second variant (PMID: 15954111, 33890232, 10995508). Computational prediction algorithms indicate this variant is likely to affect gene or protein function. Given the available evidence, this variant is classified as Likely Pathogenic.

GeneDx
Classification: Likely pathogenic. Last evaluated: 2023-09-09. Review status: criteria provided, single submitter. Criteria: GeneDx Variant Classification Process June 2021. Collection method: clinical testing. Allele origin: germline. Affected: yes.
Comment: Not observed at significant frequency in large population cohorts (gnomAD); In silico analysis, which includes protein predictors and evolutionary conservation, supports a deleterious effect; Observed multiple times with a second DHCR7 variant in unrelated patients with Smithh-Lemli-Opitz syndrome in published literature, but it is not known whether the variants occurred on the same (in cis) or on different (in trans) chromosomes (Krakowiak et al., 2000; Waye et al., 2005; Lee et al., 2013); This variant is associated with the following publications: (PMID: 11942534, 12818773, 28166604, 34308104, 11767235, 11001806, 15954111, 22438180, 23042628, 10995508, 10677299, 23918729, 12914579, 11111101, 33890232, 18076100, 15896653)

Women's Health and Genetics/Laboratory Corporation of America, LabCorp
Classification: Likely pathogenic for Smith-Lemli-Opitz syndrome. Last evaluated: 2023-01-06. Review status: criteria provided, single submitter. Criteria: LabCorp Variant Classification Summary - May 2015. Collection method: clinical testing. Allele origin: germline.
Comment: Variant summary: DHCR7 c.1222T>C (p.Tyr408His) results in a conservative amino acid change located in the 4th Cytoplasmic loop/TM domain (Witsch-Baumgartner_2000) of the encoded protein sequence. Four of five in-silico tools predict a damaging effect of the variant on protein function. The variant allele was found at a frequency of 4.1e-06 in 246792 control chromosomes. c.1222T>C has been reported in the literature as a compound heterozygous genotype in individuals affected with Smith-Lemli-Opitz Syndrome (example, PMID: 10995508, 23918729, 22438180, 33890232, 15896653, 15954111, 10677299). These data indicate that the variant is likely to be associated with disease. To our knowledge, no experimental evidence demonstrating an impact on protein function has been reported. Two clinical diagnostic laboratories have submitted clinical-significance assessments for this variant to ClinVar after 2014 without evidence for independent evaluation. All laboratories classified the variant as pathogenic/likely pathogenic. Based on the evidence outlined above, the variant was classified as likely pathogenic.

Labcorp Genetics (formerly Invitae), Labcorp
Classification: Pathogenic for Smith-Lemli-Opitz syndrome. Last evaluated: 2022-08-31. Review status: criteria provided, single submitter. Criteria: Invitae Variant Classification Sherloc (09022015). Collection method: clinical testing. Allele origin: germline.
Comment: Advanced modeling of protein sequence and biophysical properties (such as structural, functional, and spatial information, amino acid conservation, physicochemical variation, residue mobility, and thermodynamic stability) performed at Invitae indicates that this missense variant is expected to disrupt DHCR7 protein function. ClinVar contains an entry for this variant (Variation ID: 552616). This missense change has been observed in individual(s) with Smith-Lemli-Opitz syndrome (PMID: 10677299, 10995508, 12818773, 15896653). This variant is present in population databases (no rsID available, gnomAD 0.0009%). This sequence change replaces tyrosine, which is neutral and polar, with histidine, which is basic and polar, at codon 408 of the DHCR7 protein (p.Tyr408His). For these reasons, this variant has been classified as Pathogenic.

Counsyl
Classification: Likely pathogenic for Smith-Lemli-Opitz syndrome. Last evaluated: 2017-06-23. Review status: no assertion criteria provided. Collection method: clinical testing. Allele origin: unknown. Not counted in ClinVar's aggregate classification.

Literature cited by the submitters: PubMed 15954111 (cited by Natera, Inc. and Women's Health and Genetics/Laboratory Corporation of America, LabCorp); PubMed 33890232 (cited by Natera, Inc. and Women's Health and Genetics/Laboratory Corporation of America, LabCorp); PubMed 10995508 (cited by 4 submitters); PubMed 10677299 (cited by Women's Health and Genetics/Laboratory Corporation of America, LabCorp and Labcorp Genetics (formerly Invitae), Labcorp); PubMed 15896653 (cited by 3 submitters); PubMed 22438180 (cited by Women's Health and Genetics/Laboratory Corporation of America, LabCorp and Counsyl); PubMed 23918729 (cited by Women's Health and Genetics/Laboratory Corporation of America, LabCorp and Counsyl); PubMed 12818773 (cited by Labcorp Genetics (formerly Invitae), Labcorp and Counsyl); PubMed 11175299 (cited by Counsyl).

NM_001360.3(DHCR7):c.1222T>C (p.Tyr408His)

Gene: DHCR7 (7-dehydrocholesterol reductase; minus strand). Cytogenetic location: 11q13.4.
Variant type: single nucleotide variant.
Coding change: c.1222T>C on transcript NM_001360.3 (MANE Select); coding-DNA position 1222, T replaced by C.
Protein change: p.Tyr408His; replaces tyrosine 408 with histidine.
Molecular consequence: missense variant.
Genome position (GRCh38, 1-based): chr11:71,435,581, A>G on the plus strand (T>C on the coding strand, the complement: DHCR7 is on the minus strand). VCF-style: chr11-71435581-A-G. GRCh37 (hg19) VCF-style: chr11-71146627-A-G.
Other names: c.1222T>C, p.Tyr408His (NM_001163817.2); short protein forms Y408H.
Identifiers: ClinVar variation 552616 (VCV000552616.14), dbSNP rs1046560765, ClinGen allele CA224324187.
Genomic context (GRCh38, chr11:71,435,581, plus strand): 5'-GCAGGTGGCCGCCGCCACAGGCCAGGCAGTAGGCCAGGCTGCCCATCAGGTCGCCGACGT[A>G]GTTGAAGTGGCGGGCCACGCCCCAGAAGCCCGACACCAGCAGCTTGCTGTGGTGCCTCTG-3'
Protein context (NP_001351.2, residues 398-418): GFWGVARHFN[Tyr408His]VGDLMGSLAY